The following is an entry in ClinVar:

NM_206933.4(USH2A):c.1567C>T (p.His523Tyr)

Gene: USH2A (usherin; minus strand). Cytogenetic location: 1q41.
Variant type: single nucleotide variant.
Coding change: c.1567C>T on transcript NM_206933.4 (MANE Select); coding-DNA position 1567, C replaced by T.
Protein change: p.His523Tyr; replaces histidine 523 with tyrosine.
Molecular consequence: missense variant.
Genome position (GRCh38, 1-based): chr1:216,321,960, G>A on the plus strand (C>T on the coding strand, the complement: USH2A is on the minus strand). VCF-style: chr1-216321960-G-A. GRCh37 (hg19) VCF-style: chr1-216495302-G-A.
Other names: c.1567C>T, p.His523Tyr (NM_007123.6); short protein forms H523Y.
Identifiers: ClinVar variation 4062684 (VCV004062684.2).

ClinVar aggregate classification (germline): Uncertain significance. Review status: criteria provided, single submitter (1 of 4 stars). 2 submissions from 2 submitters: Uncertain significance (1). 1 of the submissions does not count toward it. Last evaluated 2026-01-13.

Conditions:
Usher syndrome type 2A. Also called: RETINAL DISEASE IN USHER SYNDROME TYPE IIA, MODIFIER OF; USHER SYNDROME, TYPE IIA. Identifiers: Orphanet 231178, Orphanet 886, MedGen C1848634, MONDO:0010169, OMIM 276901.

gnomAD v4.1: 2 of 1,613,640 alleles (0.00012%); highest among the groups gnomAD compares: Non-Finnish European, 0.00017%; no homozygotes.

Submissions (2):

Women's Health and Genetics/Laboratory Corporation of America, LabCorp
Classification: Uncertain significance. Last evaluated: 2026-01-13. Review status: criteria provided, single submitter. Criteria: LabCorp Variant Classification Summary - May 2015. Collection method: clinical testing. Allele origin: germline.
Comment: Variant summary: USH2A c.1567C>T (p.His523Tyr) results in a conservative amino acid change in the encoded protein sequence. Algorithms developed to predict the effect of missense changes on protein structure and function are either unavailable or do not agree on the potential impact of this missense change. The variant was absent in 250974 control chromosomes. The available data on variant occurrences in the general population are insufficient to allow any conclusion about variant significance. To our knowledge, no occurrence of c.1567C>T in individuals affected with USH2A-related conditions and no experimental evidence demonstrating its impact on protein function have been reported. ClinVar contains an entry for this variant (Variation ID: 4062684). Based on the evidence outlined above, the variant was classified as uncertain significance.

Natera, Inc.
Classification: Uncertain significance for Usher syndrome type 2A. Last evaluated: 2025-03-31. Review status: no assertion criteria provided. Collection method: clinical testing. Allele origin: germline. Not counted in ClinVar's aggregate classification.